The following is an entry in ClinVar:

NM_201253.3(CRB1):c.2894G>A (p.Ser965Asn)

Gene: CRB1 (crumbs cell polarity complex component 1; plus strand). Cytogenetic location: 1q31.3.
Variant type: single nucleotide variant.
Coding change: c.2894G>A on transcript NM_201253.3 (MANE Select); coding-DNA position 2894, G replaced by A.
Protein change: p.Ser965Asn; replaces serine 965 with asparagine.
Molecular consequence: missense variant. On other transcripts: non-coding transcript variant (2), intron variant (1).
Genome position (GRCh38, 1-based): chr1:197,434,757, G>A. VCF-style: chr1-197434757-G-A. GRCh37 (hg19) VCF-style: chr1-197403887-G-A.
Other names: c.2558G>A, p.Ser853Asn (NM_001193640.2); c.2822G>A, p.Ser941Asn (NM_001257965.2); c.2129-843G>A (NM_001257966.2); short protein forms S941N, S853N, S965N.
Identifiers: ClinVar variation 857633 (VCV000857633.8), dbSNP rs1006177908, ClinGen allele CA35906593.

ClinVar aggregate classification (germline): Uncertain significance. Review status: criteria provided, multiple submitters, no conflicts (2 of 4 stars). 3 submissions from 3 submitters: Uncertain significance (2). 1 of the submissions does not count toward it. Last evaluated 2026-08-28.

Conditions:
Retinitis pigmentosa 12 (RP12). Also called: RP WITH OR WITHOUT PRESERVED PARAARTERIOLE RETINAL PIGMENT EPITHELIUM; RETINITIS PIGMENTOSA WITH OR WITHOUT PARAARTERIOLAR PRESERVATION OF RETINAL PIGMENT EPITHELIUM; RP WITH OR WITHOUT PPRPE. Identifiers: Orphanet 791, MedGen C1838647, MONDO:0010818, OMIM 600105.
Leber congenital amaurosis 8 (LCA8). Identifiers: Orphanet 65, MedGen C3151202, MONDO:0013453, OMIM 613835.
Leber congenital amaurosis (LCA). Also called: Leber's amaurosis. Identifiers: Orphanet 65, MedGen C0339527, MeSH D057130, MONDO:0018998.
CRB1-related disorder. Also called: CRB1-related disorders; CRB1-related condition.

Allele frequency attached by ClinVar (database versions not stated): gnomAD exomes 0.00001; gnomAD 0.00005 and 0.00007; TOPMed 0.00005.
gnomAD v4.1: 32 of 1,613,418 alleles (0.002%); highest among the groups gnomAD compares: Admixed American, 0.01%; no homozygotes.

Submissions (3):

PreventionGenetics, part of Exact Sciences
Classification: Uncertain significance for CRB1-related condition. Last evaluated: 2026-08-28. Review status: criteria provided, single submitter. Criteria: ACMG Guidelines, 2015. Collection method: clinical testing. Allele origin: germline.
Comment: The CRB1 c.2894G>A variant is predicted to result in the amino acid substitution p.Ser965Asn. To our knowledge, this variant has not been reported in the literature or in a large population database (gnomAD), indicating this variant is rare. At this time, the clinical significance of this variant is uncertain due to the absence of conclusive functional and genetic evidence.

Labcorp Genetics (formerly Invitae), Labcorp
Classification: Uncertain significance for Leber congenital amaurosis 8; Retinitis pigmentosa 12. Last evaluated: 2022-07-12. Review status: criteria provided, single submitter. Criteria: Invitae Variant Classification Sherloc (09022015). Collection method: clinical testing. Allele origin: germline.
Comment: This sequence change replaces serine, which is neutral and polar, with asparagine, which is neutral and polar, at codon 965 of the CRB1 protein (p.Ser965Asn). This variant is not present in population databases (gnomAD no frequency). This variant has not been reported in the literature in individuals affected with CRB1-related conditions. ClinVar contains an entry for this variant (Variation ID: 857633). Algorithms developed to predict the effect of missense changes on protein structure and function (SIFT, PolyPhen-2, Align-GVGD) all suggest that this variant is likely to be disruptive. In summary, the available evidence is currently insufficient to determine the role of this variant in disease. Therefore, it has been classified as a Variant of Uncertain Significance.

Natera, Inc.
Classification: Uncertain significance for Leber congenital amaurosis. Last evaluated: 2021-06-01. Review status: no assertion criteria provided. Collection method: clinical testing. Allele origin: germline. Not counted in ClinVar's aggregate classification.